The following is an entry in ClinVar:

ClinVar aggregate classification (germline): Likely benign. Review status: criteria provided, single submitter (1 of 4 stars). 2 submissions from 2 submitters: Likely benign (1). 1 of the submissions does not count toward it. Last evaluated 2025-03-31.

Conditions:
Inborn genetic diseases. Identifiers: MedGen C0950123, MeSH D030342.
WDPCP-related disorder. Also called: WDPCP-related condition.

gnomAD v4.1: 12 of 1,614,000 alleles (0.00074%); highest among the groups gnomAD compares: African/African-American, 0.012%; no homozygotes.

Submissions (2):

Ambry Genetics
Classification: Likely benign for Inborn genetic diseases. Last evaluated: 2025-03-31. Review status: criteria provided, single submitter. Criteria: Ambry Variant Classification Scheme 2023. Collection method: clinical testing. Allele origin: germline.

PreventionGenetics, part of Exact Sciences
Classification: Uncertain significance for WDPCP-related condition. Last evaluated: 2024-01-04. Review status: no assertion criteria provided. Collection method: clinical testing. Allele origin: germline. Not counted in ClinVar's aggregate classification.
Comment: The WDPCP c.698G>A variant is predicted to result in the amino acid substitution p.Cys233Tyr. To our knowledge, this variant has not been reported in the literature. This variant is reported in 0.0065% of alleles in individuals of African descent in gnomAD. At this time, the clinical significance of this variant is uncertain due to the absence of conclusive functional and genetic evidence.

NM_015910.7(WDPCP):c.698G>A (p.Cys233Tyr)

Gene: WDPCP (WD repeat containing planar cell polarity effector; minus strand). Cytogenetic location: 2p15.
Variant type: single nucleotide variant.
Coding change: c.698G>A on transcript NM_015910.7 (MANE Select); coding-DNA position 698, G replaced by A.
Protein change: p.Cys233Tyr; replaces cysteine 233 with tyrosine.
Molecular consequence: missense variant. On other transcripts: non-coding transcript variant (3).
Genome position (GRCh38, 1-based): chr2:63,433,872, C>T on the plus strand (G>A on the coding strand, the complement: WDPCP is on the minus strand). VCF-style: chr2-63433872-C-T. GRCh37 (hg19) VCF-style: chr2-63661006-C-T.
Other names: c.221G>A, p.Cys74Tyr (NM_001042692.3); c.626G>A, p.Cys209Tyr (NM_001354044.2); c.698G>A, p.Cys233Tyr (NM_001354045.2); short protein forms C209Y, C233Y, C74Y.
Identifiers: ClinVar variation 3352848 (VCV003352848.2).
Genomic context (GRCh38, chr2:63,433,872, plus strand): 5'-GCCCAAGGCCAAGCATCATCGTTGACCAGTGGCCACCAGCAAACAACTCTATCATGAACA[C>T]AGTTGATAGCTAGATGTCGCTCTGTTGTCTTGTTTATTGGGCCGGGTATTTCATAATAGA-3'
Protein context (NP_056994.3, residues 223-243): KTTERHLAIN[Cys233Tyr]VHDRVVCWWP